The following is an entry in ClinVar:

ClinVar aggregate classification (germline): Uncertain significance (1 of 4 stars; one submission).

Conditions:
Combined immunodeficiency due to DOCK8 deficiency (HIES2). Also called: HYPER-IgE RECURRENT INFECTION SYNDROME 2, AUTOSOMAL RECESSIVE; HYPER-IgE SYNDROME 2, AUTOSOMAL RECESSIVE, WITH RECURRENT INFECTIONS; HIES autosomal recessive; DOCK8 Deficiency; Hyper-IgE recurrent infection syndrome, autosomal recessive. Identifiers: Orphanet 217390, MedGen C4722305, MONDO:0009478, OMIM 243700.

Allele frequency attached by ClinVar (database versions not stated): TOPMed below 0.00001.
gnomAD v4.1: 1 of 1,614,226 alleles (0.000062%); highest among the groups gnomAD compares: Non-Finnish European, 0.000085%; no homozygotes.

Submission:

Labcorp Genetics (formerly Invitae), Labcorp
Classification: Uncertain significance for Combined immunodeficiency due to DOCK8 deficiency. Last evaluated: 2025-05-16. Review status: criteria provided, single submitter. Criteria: Invitae Variant Classification Sherloc (09022015). Collection method: clinical testing. Allele origin: germline.
Comment: This sequence change replaces leucine, which is neutral and non-polar, with valine, which is neutral and non-polar, at codon 1214 of the DOCK8 protein (p.Leu1214Val). This variant is not present in population databases (gnomAD no frequency). This variant has not been reported in the literature in individuals affected with DOCK8-related conditions. ClinVar contains an entry for this variant (Variation ID: 1369692). Invitae Evidence Modeling of protein sequence and biophysical properties (such as structural, functional, and spatial information, amino acid conservation, physicochemical variation, residue mobility, and thermodynamic stability) has been performed for this missense variant. However, the output from this modeling did not meet the statistical confidence thresholds required to predict the impact of this variant on DOCK8 protein function. In summary, the available evidence is currently insufficient to determine the role of this variant in disease. Therefore, it has been classified as a Variant of Uncertain Significance.

NM_203447.4(DOCK8):c.3640C>G (p.Leu1214Val)

Gene: DOCK8 (dedicator of cytokinesis 8; plus strand). Cytogenetic location: 9p24.3.
Variant type: single nucleotide variant.
Coding change: c.3640C>G on transcript NM_203447.4 (MANE Select); coding-DNA position 3640, C replaced by G.
Protein change: p.Leu1214Val; replaces leucine 1214 with valine.
Molecular consequence: missense variant.
Genome position (GRCh38, 1-based): chr9:414,891, C>G. VCF-style: chr9-414891-C-G. GRCh37 (hg19) VCF-style: chr9-414891-C-G.
Other names: c.3340C>G, p.Leu1114Val (NM_001190458.2); c.3436C>G, p.Leu1146Val (NM_001193536.2); short protein forms L1114V, L1214V, L1146V.
Identifiers: ClinVar variation 1369692 (VCV001369692.6), dbSNP rs1373790109, ClinGen allele CA372760825.